The following is an entry in ClinVar:

ClinVar aggregate classification (germline): Benign/Likely benign. Review status: criteria provided, multiple submitters, no conflicts (2 of 4 stars). 2 submissions from 2 submitters: Benign (1); Likely benign (1). Last evaluated 2026-06-01.

Allele frequency attached by ClinVar (database versions not stated): 1000 Genomes Project 30x 0.00219; 1000 Genomes Project 0.00260; gnomAD 0.00345 and 0.00382; TOPMed 0.00400; ESP Exome Variant Server 0.00431.
gnomAD v4.1: 1,254 of 1,603,720 alleles (0.078%); highest among the groups gnomAD compares: African/African-American, 1.2%; 7 homozygotes.

Submissions (8):

CeGaT Center for Human Genetics Tuebingen
Classification: Likely benign. Last evaluated: 2026-06-01. Review status: criteria provided, single submitter. Criteria: CeGaT Center For Human Genetics Tuebingen Variant Classification Criteria Version 2. Collection method: clinical testing. Allele origin: germline. Affected: yes. Observed: 5 variant alleles.
Comment: RTN4IP1: BS1

Labcorp Genetics (formerly Invitae), Labcorp
Classification: Benign. Last evaluated: 2026-02-02. Review status: criteria provided, single submitter. Criteria: Invitae Variant Classification Sherloc (09022015). Collection method: clinical testing. Allele origin: germline.

Dr. Peter K. Rogan Lab, Western University
No classification provided (evidence only). Condition: Clear cell carcinoma of kidney. Review status: no classification provided. Collection method: in vitro. Allele origin: not applicable. Functional consequence: retained intron. Not counted in ClinVar's aggregate classification.

Dr. Peter K. Rogan Lab, Western University
No classification provided (evidence only). Condition: Clear cell carcinoma of kidney. Review status: no classification provided. Collection method: in vitro. Allele origin: not applicable. Functional consequence: skipped exon, retained intron. Not counted in ClinVar's aggregate classification.

Dr. Peter K. Rogan Lab, Western University
No classification provided (evidence only). Condition: Thyroid cancer, nonmedullary, 1. Review status: no classification provided. Collection method: in vitro. Allele origin: not applicable. Functional consequence: retained intron. Not counted in ClinVar's aggregate classification.

Dr. Peter K. Rogan Lab, Western University
No classification provided (evidence only). Condition: Uterine corpus endometrial carcinoma. Review status: no classification provided. Collection method: in vitro. Allele origin: not applicable. Functional consequence: retained intron. Not counted in ClinVar's aggregate classification.

Dr. Peter K. Rogan Lab, Western University
No classification provided (evidence only). Condition: Nonpapillary renal cell carcinoma. Review status: no classification provided. Collection method: in vitro. Allele origin: not applicable. Functional consequence: retained intron. Not counted in ClinVar's aggregate classification.

Dr. Peter K. Rogan Lab, Western University
No classification provided (evidence only). Condition: Adrenocortical carcinoma, hereditary. Review status: no classification provided. Collection method: in vitro. Allele origin: not applicable. Functional consequence: retained intron. Not counted in ClinVar's aggregate classification.

NM_032730.5(RTN4IP1):c.645C>T (p.Gly215=)

Gene: RTN4IP1 (reticulon 4 interacting protein 1; minus strand). Cytogenetic location: 6q21.
Variant type: single nucleotide variant.
Coding change: c.645C>T on transcript NM_032730.5 (MANE Select); coding-DNA position 645, C replaced by T.
Protein change: p.Gly215=; no amino-acid change (glycine 215 retained).
Molecular consequence: synonymous variant.
Genome position (GRCh38, 1-based): chr6:106,602,898, G>A on the plus strand (C>T on the coding strand, the complement: RTN4IP1 is on the minus strand). VCF-style: chr6-106602898-G-A. GRCh37 (hg19) VCF-style: chr6-107050773-G-A.
Other names: c.345C>T, p.Gly115= (NM_001318746.1).
Identifiers: ClinVar variation 705996 (VCV000705996.39), dbSNP rs111435523, ClinGen allele CA3944422.